The following is an entry in ClinVar:

ClinVar aggregate classification (germline): Pathogenic (1 of 4 stars; one submission).

Conditions:
Usher syndrome type 1F (USH1F). Also called: USHER SYNDROME, TYPE IF. Identifiers: Orphanet 231169, Orphanet 886, MedGen C1865885, MONDO:0011186, OMIM 602083.

Submission:

Laboratory of Prof. Karen Avraham, Tel Aviv University
Classification: Pathogenic for Usher syndrome type 1F. Last evaluated: 2024-08-20. Review status: criteria provided, single submitter. Criteria: ACMG Guidelines, 2015. Collection method: research. Allele origin: germline. Affected: yes. Observed: 1 variant allele.
Comment: A frameshift variant in a known USH1F gene with many nonsense and FS known mutations, including in exon 20.

USH1F

NM_001384140.1(PCDH15):c.2127dup (p.Val710fs)

Gene: PCDH15 (protocadherin related 15; minus strand). Cytogenetic location: 10q21.1.
Variant type: Duplication.
Coding change: c.2127dup on transcript NM_001384140.1 (MANE Select); coding-DNA position 2127, one base duplicated (T; older notation c.2127dupT).
Protein change: p.Val710fs; shifts the reading frame from valine 710.
Molecular consequence: frameshift variant.
Genome position (GRCh38, 1-based): chr10:54,066,850, A duplicated on the plus strand (T on the coding strand, the reverse complement: PCDH15 is on the minus strand). VCF-style (leftmost placement, unchanged base first): chr10-54066849-C-CA. GRCh37 (hg19) VCF-style: chr10-55826609-C-CA.
Other names: c.2142dup, p.Val715fs (NM_001142763.2, NM_001142771.2); c.2127dup, p.Val710fs (NM_001142764.2, NM_001142766.2, NM_001142770.3 and 5 more transcripts); c.1914dup, p.Val639fs (NM_001142765.2); c.2016dup, p.Val673fs (NM_001142767.2); c.2061dup, p.Val688fs (NM_001142768.2, NM_001142773.2, NM_001354404.2); c.2163dup, p.Val722Cysfs (NM_001142769.4); c.2148dup, p.Val717fs (NM_001354411.2); short protein forms V639fs, V673fs, V688fs, V710fs, V715fs, V717fs, V722fs.
Identifiers: ClinVar variation 3338041 (VCV003338041.1).